The following is an entry in ClinVar:

NM_005269.3(GLI1):c.363C>T (p.Tyr121=)

Gene: GLI1 (GLI family zinc finger 1; plus strand). Cytogenetic location: 12q13.3.
Variant type: single nucleotide variant.
Coding change: c.363C>T on transcript NM_005269.3 (MANE Select); coding-DNA position 363, C replaced by T.
Protein change: p.Tyr121=; no amino-acid change (tyrosine 121 retained).
Molecular consequence: synonymous variant. On other transcripts: 5 prime UTR variant (1).
Genome position (GRCh38, 1-based): chr12:57,464,842, C>T. VCF-style: chr12-57464842-C-T. GRCh37 (hg19) VCF-style: chr12-57858625-C-T.
Other names: c.-22C>T (NM_001160045.2); c.240C>T, p.Tyr80= (NM_001167609.2).
Identifiers: ClinVar variation 715808 (VCV000715808.30), dbSNP rs150011919, ClinGen allele CA6648441.
Genomic context (GRCh38, chr12:57,464,842, plus strand): 5'-CTCACCCAGCTCCCTCGTAGCTTTCATCAACTCGCGATGCACATCTCCAGGAGGCTCCTA[C>T]GGTCATCTCTCCATTGGCACCATGAGGTGCAGTCAGCCCCGGGCCAAGAGGCCCCTAAAG-3'
Protein context (NP_005260.1, residues 111-131): NSRCTSPGGS[Tyr121=]GHLSIGTMSP

ClinVar aggregate classification (germline): Likely benign. Review status: criteria provided, multiple submitters, no conflicts (2 of 4 stars). 4 submissions from 4 submitters: Likely benign (3). 1 of the submissions does not count toward it. Last evaluated 2024-11-19.

Conditions:
GLI1-related disorder. Also called: GLI1-related condition.

Allele frequency attached by ClinVar (database versions not stated): 1000 Genomes Project 30x 0.00031; gnomAD 0.00048 and 0.00049; TOPMed 0.00053; 1000 Genomes Project 0.00060; ESP Exome Variant Server 0.00085.

Submissions (4):

Blueprint Genetics
Classification: Likely benign. Last evaluated: 2024-11-19. Review status: criteria provided, single submitter. Criteria: ACMG Guidelines, 2015. Collection method: clinical testing. Allele origin: germline.

CeGaT Center for Human Genetics Tuebingen
Classification: Likely benign. Last evaluated: 2022-10-01. Review status: criteria provided, single submitter. Criteria: CeGaT Center For Human Genetics Tuebingen Variant Classification Criteria Version 2. Collection method: clinical testing. Allele origin: germline. Affected: yes. Observed: 2 variant alleles.
Comment: GLI1: BP4, BP7

Labcorp Genetics (formerly Invitae), Labcorp
Classification: Likely benign. Last evaluated: 2019-12-31. Review status: criteria provided, single submitter. Criteria: Invitae Variant Classification Sherloc (09022015). Collection method: clinical testing. Allele origin: germline.

PreventionGenetics, part of Exact Sciences
Classification: Likely benign for GLI1-related condition. Last evaluated: 2019-08-13. Review status: no assertion criteria provided. Collection method: clinical testing. Allele origin: germline. Not counted in ClinVar's aggregate classification.
Comment: This variant is classified as likely benign based on ACMG/AMP sequence variant interpretation guidelines (Richards et al. 2015 PMID: 25741868, with internal and published modifications).